The following is an entry in ClinVar:

ClinVar aggregate classification (germline): Likely benign. Review status: criteria provided, single submitter (1 of 4 stars). 2 submissions from 2 submitters: Likely benign (1). 1 of the submissions does not count toward it. Last evaluated 2024-01-04.

Allele frequency attached by ClinVar (database versions not stated): gnomAD 0.00003; TOPMed 0.00003; ESP Exome Variant Server 0.00008.
gnomAD v4.1: 81 of 1,613,682 alleles (0.005%); highest among the groups gnomAD compares: Non-Finnish European, 0.0066%; no homozygotes.

Submissions (2):

Labcorp Genetics (formerly Invitae), Labcorp
Classification: Likely benign. Last evaluated: 2024-01-04. Review status: criteria provided, single submitter. Criteria: Invitae Variant Classification Sherloc (09022015). Collection method: clinical testing. Allele origin: germline.

Martin Pollak Laboratory,  Beth Israel Deaconess Medical Center
Classification: Uncertain significance. Review status: no assertion criteria provided. Collection method: not provided. Allele origin: unknown. Not counted in ClinVar's aggregate classification.
Comment: Lower UCa2+ group
ClinVar note: Converted during submission from unknown to Uncertain significance.

NM_000338.3(SLC12A1):c.1149C>T (p.Val383=)

Gene: SLC12A1 (solute carrier family 12 member 1; plus strand). Cytogenetic location: 15q21.1.
Variant type: single nucleotide variant.
Coding change: c.1149C>T on transcript NM_000338.3 (MANE Select); coding-DNA position 1149, C replaced by T.
Protein change: p.Val383=; no amino-acid change (valine 383 retained).
Molecular consequence: synonymous variant.
Genome position (GRCh38, 1-based): chr15:48,234,938, C>T. VCF-style: chr15-48234938-C-T. GRCh37 (hg19) VCF-style: chr15-48527135-C-T.
Other names: c.1149C>T, p.Val383= (NM_001184832.2).
Identifiers: ClinVar variation 64404 (VCV000064404.5), dbSNP rs368339306, ClinGen allele CA216070.